The following is an entry in ClinVar:

ClinVar aggregate classification (germline): Uncertain significance (1 of 4 stars; one submission).

Allele frequency attached by ClinVar (database versions not stated): gnomAD exomes below 0.00001.
gnomAD v4.1: 2 of 1,613,440 alleles (0.00012%); highest among the groups gnomAD compares: Non-Finnish European, 0.00017%; no homozygotes.

Submission:

Labcorp Genetics (formerly Invitae), Labcorp
Classification: Uncertain significance. Last evaluated: 2024-01-29. Review status: criteria provided, single submitter. Criteria: Invitae Variant Classification Sherloc (09022015). Collection method: clinical testing. Allele origin: germline.
Comment: This sequence change replaces threonine, which is neutral and polar, with isoleucine, which is neutral and non-polar, at codon 398 of the NFKB1 protein (p.Thr398Ile). This variant is present in population databases (no rsID available, gnomAD 0.002%). This variant has not been reported in the literature in individuals affected with NFKB1-related conditions. ClinVar contains an entry for this variant (Variation ID: 2049975). Advanced modeling of protein sequence and biophysical properties (such as structural, functional, and spatial information, amino acid conservation, physicochemical variation, residue mobility, and thermodynamic stability) performed at Invitae indicates that this missense variant is not expected to disrupt NFKB1 protein function with a negative predictive value of 80%. In summary, the available evidence is currently insufficient to determine the role of this variant in disease. Therefore, it has been classified as a Variant of Uncertain Significance.

NM_003998.4(NFKB1):c.1193C>T (p.Thr398Ile)

Gene: NFKB1 (nuclear factor kappa B subunit 1; plus strand). Cytogenetic location: 4q24.
Variant type: single nucleotide variant.
Coding change: c.1193C>T on transcript NM_003998.4 (MANE Select); coding-DNA position 1193, C replaced by T.
Protein change: p.Thr398Ile; replaces threonine 398 with isoleucine.
Molecular consequence: missense variant.
Genome position (GRCh38, 1-based): chr4:102,593,551, C>T. VCF-style: chr4-102593551-C-T. GRCh37 (hg19) VCF-style: chr4-103514708-C-T.
Other names: c.1190C>T, p.Thr397Ile (NM_001165412.2, NM_001319226.2, NM_001382627.1); c.1193C>T, p.Thr398Ile (NM_001382625.1, NM_001382626.1); c.1151C>T, p.Thr384Ile (NM_001382628.1); short protein forms T384I, T398I, T397I.
Identifiers: ClinVar variation 2049975 (VCV002049975.4), dbSNP rs535214258, ClinGen allele CA357750539.